The following is an entry in ClinVar:

ClinVar aggregate classification (germline): Uncertain significance (1 of 4 stars; one submission).

Conditions:
CEP290-related disorder. Also called: CEP290-related condition; CEP290-related disorders. Identifiers: MedGen CN239314.

gnomAD v4.1: 6 of 1,601,172 alleles (0.00037%); highest among the groups gnomAD compares: Non-Finnish European, 0.00051%; no homozygotes.

Submission:

PreventionGenetics, part of Exact Sciences
Classification: Uncertain significance for CEP290-related condition. Last evaluated: 2026-03-31. Review status: criteria provided, single submitter. Criteria: ACMG Guidelines, 2015. Collection method: clinical testing. Allele origin: germline.
Comment: The CEP290 c.6353G>A variant is predicted to result in the amino acid substitution p.Arg2118Lys. To our knowledge, this variant has not been reported in the literature or in a large population database (gnomAD), indicating this variant is rare. At this time, the clinical significance of this variant is uncertain due to the absence of conclusive functional and genetic evidence.

NM_025114.4(CEP290):c.6353G>A (p.Arg2118Lys)

Genes: CEP290 (centrosomal protein 290; minus strand), LOC129390514 (MPRA-validated peak1864 silencer; plus strand). Cytogenetic location: 12q21.32.
Variant type: single nucleotide variant.
Coding change: c.6353G>A on transcript NM_025114.4 (MANE Select); coding-DNA position 6353, G replaced by A.
Protein change: p.Arg2118Lys; replaces arginine 2118 with lysine.
Molecular consequence: missense variant.
Genome position (GRCh38, 1-based): chr12:88,062,696, C>T on the plus strand (G>A on the coding strand, the complement: CEP290 is on the minus strand). VCF-style: chr12-88062696-C-T. GRCh37 (hg19) VCF-style: chr12-88456473-C-T.
Other names: short protein forms R2118K.
Identifiers: ClinVar variation 4989038 (VCV004989038.1).
Genomic context (GRCh38, chr12:88,062,696, plus strand): 5'-ATTTCTGGCTTATCACTGCTGAAACCAAAACAAATGTATGGTAAATTCTCACATACCCCT[C>T]TAACATGGCCAAGTTTCCGCTGAACTTCTGCTTTTTCTTTCTTAAGAAATTCACACATTT-3'
Protein context (NP_079390.3, residues 2108-2128): AEVQRKLGHV[Arg2118Lys]GSGRSGKTIP